The following is an entry in ClinVar:

NM_001365276.2(TNXB):c.8434C>T (p.Arg2812Cys)

Gene: TNXB (tenascin XB; minus strand). Cytogenetic location: 6p21.33.
Variant type: single nucleotide variant.
Coding change: c.8434C>T on transcript NM_001365276.2 (MANE Select); coding-DNA position 8434, C replaced by T.
Protein change: p.Arg2812Cys; replaces arginine 2812 with cysteine.
Molecular consequence: missense variant.
Genome position (GRCh38, 1-based): chr6:32,055,884, G>A on the plus strand (C>T on the coding strand, the complement: TNXB is on the minus strand). VCF-style: chr6-32055884-G-A. GRCh37 (hg19) VCF-style: chr6-32023661-G-A.
Other names: NC_000006.11:g.32023661G>A; c.8434C>T, p.Arg2812Cys (NM_019105.8); short protein forms R2812C.
Identifiers: ClinVar variation 1763368 (VCV001763368.3), dbSNP rs753765905, ClinGen allele CA3733851.

ClinVar aggregate classification (germline): Uncertain significance (1 of 4 stars; one submission).

Conditions:
Cardiovascular phenotype. Identifiers: MedGen CN230736.

Allele frequency attached by ClinVar (database versions not stated): gnomAD 0.00001; ExAC 0.00002; gnomAD exomes below 0.00001.
gnomAD v4.1: 3 of 1,612,630 alleles (0.00019%); highest among the groups gnomAD compares: Non-Finnish European, 0.00025%; no homozygotes.

Submissions (2):

Ambry Genetics
Classification: Uncertain significance for Cardiovascular phenotype. Last evaluated: 2024-01-07. Review status: criteria provided, single submitter. Criteria: Ambry Variant Classification Scheme 2023. Collection method: clinical testing. Allele origin: germline.
Comment: The p.R2812C variant (also known as c.8434C>T), located in coding exon 23 of the TNXB gene, results from a C to T substitution at nucleotide position 8434. The arginine at codon 2812 is replaced by cysteine, an amino acid with highly dissimilar properties. This amino acid position is highly conserved in available vertebrate species. In addition, this alteration is predicted to be tolerated by in silico analysis. Since supporting evidence is limited at this time, the clinical significance of this alteration remains unclear.

Dr. Peter K. Rogan Lab, Western University
No classification provided (evidence only). Condition: Thyroid cancer, nonmedullary, 1. Review status: no classification provided. Collection method: in vitro. Allele origin: not applicable. Functional consequence: retained intron. Not counted in ClinVar's aggregate classification.